The following is an entry in ClinVar:

ClinVar aggregate classification (germline): Pathogenic/Likely pathogenic. Review status: criteria provided, multiple submitters, no conflicts (2 of 4 stars). 7 submissions from 7 submitters: Pathogenic (3); Likely pathogenic (4). Last evaluated 2025-07-18.

Conditions:
Complex neurodevelopmental disorder. Identifiers: Orphanet 528084, MedGen C5568766, MONDO:0100038.
Inborn genetic diseases. Identifiers: MedGen C0950123, MeSH D030342.
Developmental and epileptic encephalopathy, 27 (DEE27). Also called: GRIN2B-Related Neurodevelopmental Disorder; Epileptic encephalopathy, early infantile, 27. Identifiers: Orphanet 3451, MedGen C4015316, MONDO:0014505, OMIM 616139.
Intellectual developmental disorder, autosomal dominant 6, with or without seizures. Also called: GRIN2B-related developmental delay, intellectual disability and autism spectrum disorder; Intellectual disability, autosomal dominant 6. Identifiers: Orphanet 589547, MedGen C3151411, MONDO:0013509, OMIM 613970.
Intellectual disability. Also called: intellectual disabilities; Intellectual developmental disorder; Intellectual functioning disability. Identifiers: MedGen C3714756, MeSH D008607, MONDO:0001071, HP:0001249.

Submissions (7):

Labcorp Genetics (formerly Invitae), Labcorp
Classification: Pathogenic for Developmental and epileptic encephalopathy, 27; Intellectual developmental disorder, autosomal dominant 6, with or without seizures. Last evaluated: 2025-07-18. Review status: criteria provided, single submitter. Criteria: Invitae Variant Classification Sherloc (09022015). Collection method: clinical testing. Allele origin: germline.
Comment: This sequence change replaces arginine, which is basic and polar, with histidine, which is basic and polar, at codon 696 of the GRIN2B protein (p.Arg696His). This variant is not present in population databases (gnomAD no frequency). This missense change has been observed in individual(s) with intellectual disability, developmental delay, and autistic features (PMID: 27839871, 28377535). In at least one individual the variant was observed to be de novo. ClinVar contains an entry for this variant (Variation ID: 489393). Invitae Evidence Modeling of protein sequence and biophysical properties (such as structural, functional, and spatial information, amino acid conservation, physicochemical variation, residue mobility, and thermodynamic stability) indicates that this missense variant is expected to disrupt GRIN2B protein function with a positive predictive value of 80%. Experimental studies have shown that this missense change affects GRIN2B function (PMID: 27839871). For these reasons, this variant has been classified as Pathogenic.

GeneDx
Classification: Pathogenic. Last evaluated: 2023-03-10. Review status: criteria provided, single submitter. Criteria: GeneDx Variant Classification Process June 2021. Collection method: clinical testing. Allele origin: germline. Affected: yes.
Comment: Published functional studies demonstrate enhanced glutamate potency (Swanger et al., 2016); In silico analysis supports that this missense variant has a deleterious effect on protein structure/function; Not observed at significant frequency in large population cohorts (gnomAD); This variant is associated with the following publications: (PMID: 28377535, 27818011, 31209962, 31144778, 28714951, 31981491, 33004838, 27839871)

Diagnostic Laboratory, Strasbourg University Hospital
Classification: Likely pathogenic for Intellectual disability. Last evaluated: 2020-09-10. Review status: criteria provided, single submitter. Criteria: ACMG Guidelines, 2015. Collection method: clinical testing. Allele origin: de novo. Affected: yes. Observed: 2 heterozygotes.

Institute of Human Genetics Munich, TUM University Hospital
Classification: Likely pathogenic for Intellectual developmental disorder, autosomal dominant 6, with or without seizures. Last evaluated: 2019-05-27. Review status: criteria provided, single submitter. Criteria: Classification criteria August 2017. Collection method: clinical testing. Allele origin: de novo. Inheritance: Autosomal dominant inheritance. Affected: yes. Observed: 1 heterozygote.

CeGaT Center for Human Genetics Tuebingen
Classification: Pathogenic. Last evaluated: 2019-04-01. Review status: criteria provided, single submitter. Criteria: CeGaT Center For Human Genetics Tuebingen Variant Classification Criteria Version 2. Collection method: clinical testing. Allele origin: germline. Affected: yes. Observed: 3 variant alleles.

Ambry Genetics
Classification: Likely pathogenic for Inborn genetic diseases. Last evaluated: 2019-02-08. Review status: criteria provided, single submitter. Criteria: Ambry exome assertion method (8-5-2015). Collection method: clinical testing. Allele origin: germline. Affected: yes. Observed: 1 variant allele.

Institute of Human Genetics, University of Leipzig Medical Center
Classification: Likely pathogenic for Intellectual developmental disorder, autosomal dominant 6, with or without seizures. Last evaluated: 2017-04-04. Review status: criteria provided, single submitter. Criteria: ACMG Guidelines, 2015. Collection method: clinical testing. Allele origin: de novo. Affected: yes.
Comment: This variant was identified as de novo (maternity and paternity confirmed).

Literature cited by the submitters: PubMed 27839871 (cited by Labcorp Genetics (formerly Invitae), Labcorp); PubMed 28377535 (cited by Labcorp Genetics (formerly Invitae), Labcorp and Institute of Human Genetics, University of Leipzig Medical Center).

NM_000834.5(GRIN2B):c.2087G>A (p.Arg696His)

Gene: GRIN2B (glutamate ionotropic receptor NMDA type subunit 2B; minus strand). Cytogenetic location: 12p13.1.
Variant type: single nucleotide variant.
Coding change: c.2087G>A on transcript NM_000834.5 (MANE Select); coding-DNA position 2087, G replaced by A.
Protein change: p.Arg696His; replaces arginine 696 with histidine.
Molecular consequence: missense variant.
Genome position (GRCh38, 1-based): chr12:13,571,888, C>T on the plus strand (G>A on the coding strand, the complement: GRIN2B is on the minus strand). VCF-style: chr12-13571888-C-T. GRCh37 (hg19) VCF-style: chr12-13724822-C-T.
Other names: short protein forms R696H.
Identifiers: ClinVar variation 489393 (VCV000489393.57), dbSNP rs1555103971, ClinGen allele CA383999450.